The following is an entry in ClinVar:

NM_016204.4(GDF2):c.740G>T (p.Gly247Val)

Gene: GDF2 (growth differentiation factor 2; plus strand). Cytogenetic location: 10q11.22.
Variant type: single nucleotide variant.
Coding change: c.740G>T on transcript NM_016204.4 (MANE Select); coding-DNA position 740, G replaced by T.
Protein change: p.Gly247Val; replaces glycine 247 with valine.
Molecular consequence: missense variant.
Genome position (GRCh38, 1-based): chr10:47,325,234, G>T. VCF-style: chr10-47325234-G-T. GRCh37 (hg19) VCF-style: chr10-48414128-C-A.
Other names: c.740G>T (NM_016204.3); short protein forms G247V.
Identifiers: ClinVar variation 474672 (VCV000474672.25), dbSNP rs369219783, ClinGen allele CA376655964.

ClinVar aggregate classification (germline): Uncertain significance. Review status: criteria provided, multiple submitters, no conflicts (2 of 4 stars). 4 submissions from 4 submitters: Uncertain significance (4). Last evaluated 2026-03-03.

Conditions:
Telangiectasia, hereditary hemorrhagic, type 5 (HHT5). Identifiers: Orphanet 774, MedGen C3809710, MONDO:0014217, OMIM 615506.
Cardiovascular phenotype. Identifiers: MedGen CN230736.
GDF2-related disorder. Also called: GDF2-related condition.

Allele frequency attached by ClinVar (database versions not stated): ESP Exome Variant Server 0.00008; TOPMed 0.00009.

Submissions (4):

PreventionGenetics, part of Exact Sciences
Classification: Uncertain significance for GDF2-related condition. Last evaluated: 2026-03-03. Review status: criteria provided, single submitter. Criteria: ACMG Guidelines, 2015. Collection method: clinical testing. Allele origin: germline.
Comment: The GDF2 c.740G>T variant is predicted to result in the amino acid substitution p.Gly247Val. To our knowledge, this variant has not been reported in the literature. This variant is reported in 0.0070% of alleles in individuals of European (Non-Finnish) descent in gnomAD. At this time, the clinical significance of this variant is uncertain due to the absence of conclusive functional and genetic evidence.

CeGaT Center for Human Genetics Tuebingen
Classification: Uncertain significance. Last evaluated: 2024-07-01. Review status: criteria provided, single submitter. Criteria: CeGaT Center For Human Genetics Tuebingen Variant Classification Criteria Version 2. Collection method: clinical testing. Allele origin: germline. Affected: yes. Observed: 1 variant allele.

Labcorp Genetics (formerly Invitae), Labcorp
Classification: Uncertain significance for Telangiectasia, hereditary hemorrhagic, type 5. Last evaluated: 2021-08-26. Review status: criteria provided, single submitter. Criteria: Invitae Variant Classification Sherloc (09022015). Collection method: clinical testing. Allele origin: germline.
Comment: This sequence change replaces glycine with valine at codon 247 of the GDF2 protein (p.Gly247Val). The glycine residue is moderately conserved and there is a moderate physicochemical difference between glycine and valine. This variant is not present in population databases (ExAC no frequency). This variant has not been reported in the literature in individuals affected with GDF2-related conditions. Algorithms developed to predict the effect of missense changes on protein structure and function are either unavailable or do not agree on the potential impact of this missense change (SIFT: "Deleterious"; PolyPhen-2: "Possibly Damaging"; Align-GVGD: "Class C0"). In summary, the available evidence is currently insufficient to determine the role of this variant in disease. Therefore, it has been classified as a Variant of Uncertain Significance.

Ambry Genetics
Classification: Uncertain significance for Cardiovascular phenotype. Last evaluated: 2017-12-04. Review status: criteria provided, single submitter. Criteria: Ambry Variant Classification Scheme 2023. Collection method: clinical testing. Allele origin: germline.
Comment: The p.G247V variant (also known as c.740G>T), located in coding exon 2 of the GDF2 gene, results from a G to T substitution at nucleotide position 740. The glycine at codon 247 is replaced by valine, an amino acid with dissimilar properties. This amino acid position is poorly conserved in available vertebrate species. Since supporting evidence is limited at this time, the clinical significance of this alteration remains unclear.